The following is an entry in ClinVar:

ClinVar aggregate classification (germline): Uncertain significance (1 of 4 stars; one submission).

Conditions:
Hypertrophic cardiomyopathy. Also called: HYPERTROPHIC MYOCARDIOPATHY. Identifiers: Orphanet 217569, MedGen C0007194, MeSH D002312, MONDO:0005045, HP:0001639.

Allele frequency attached by ClinVar (database versions not stated): gnomAD exomes below 0.00001; TOPMed below 0.00001.
gnomAD v4.1: 1 of 1,532,124 alleles (0.000065%); highest among the groups gnomAD compares: Non-Finnish European, 0.000087%; no homozygotes.

Submission:

Labcorp Genetics (formerly Invitae), Labcorp
Classification: Uncertain significance for Hypertrophic cardiomyopathy. Last evaluated: 2018-07-17. Review status: criteria provided, single submitter. Criteria: Invitae Variant Classification Sherloc (09022015). Collection method: clinical testing. Allele origin: germline.
Comment: This sequence change replaces glutamic acid with lysine at codon 234 of the JPH2 protein (p.Glu234Lys). The glutamic acid residue is moderately conserved and there is a small physicochemical difference between glutamic acid and lysine. While this variant is not present in population databases, the frequency information is unreliable, as metrics indicate poor data quality at this position in the ExAC database. This variant has not been reported in the literature in individuals with JPH2-related disease. Algorithms developed to predict the effect of missense changes on protein structure and function are either unavailable or do not agree on the potential impact of this missense change (SIFT: "Tolerated"; PolyPhen-2: "Possibly Damaging"; Align-GVGD: "Class C0"). In summary, the available evidence is currently insufficient to determine the role of this variant in disease. Therefore, it has been classified as a Variant of Uncertain Significance.

NM_020433.5(JPH2):c.700G>A (p.Glu234Lys)

Gene: JPH2 (junctophilin 2; minus strand). Cytogenetic location: 20q13.12.
Variant type: single nucleotide variant.
Coding change: c.700G>A on transcript NM_020433.5 (MANE Select); coding-DNA position 700, G replaced by A.
Protein change: p.Glu234Lys; replaces glutamic acid 234 with lysine.
Molecular consequence: missense variant.
Genome position (GRCh38, 1-based): chr20:44,160,087, C>T on the plus strand (G>A on the coding strand, the complement: JPH2 is on the minus strand). VCF-style: chr20-44160087-C-T. GRCh37 (hg19) VCF-style: chr20-42788727-C-T.
Other names: short protein forms E234K.
Identifiers: ClinVar variation 651135 (VCV000651135.8), dbSNP rs13041770, ClinGen allele CA409093862.